The following is an entry in ClinVar:

ClinVar aggregate classification (germline): Pathogenic (1 of 4 stars; one submission).

Conditions:
X-linked Alport syndrome (ATS1). Also called: COL4A5-Related Nephropathy; NEPHROPATHY AND DEAFNESS, X-LINKED. Identifiers: Orphanet 63, Orphanet 88917, MedGen C4746986, MONDO:0010520, OMIM 301050.

Submission:

Myriad Genetics, Inc.
Classification: Pathogenic for X-linked Alport syndrome. Last evaluated: 2024-05-09. Review status: criteria provided, single submitter. Criteria: Myriad Autosomal Dominant, Autosomal Recessive and X-Linked Classification Criteria (2023). Collection method: clinical testing. Allele origin: unknown.
Comment: NM_000495.4(COL4A5):c.4188dupA(G1397Rfs*21) is expected to be pathogenic in the context of X-linked Alport syndrome. This variant is predicted to lead to an abnormal or absent protein product due to the creation of a premature termination codon in COL4A5, a gene where loss-of-function variants are known to be pathogenic. Please note: this variant was assessed in the context of healthy population screening.

NM_033380.3(COL4A5):c.4206dup (p.Gly1403fs)

Gene: COL4A5 (collagen type IV alpha 5 chain; plus strand). Cytogenetic location: Xq22.3.
Variant type: Duplication.
Coding change: c.4206dup on transcript NM_033380.3 (MANE Select); coding-DNA position 4206, one base duplicated (A; older notation c.4206dupA).
Protein change: p.Gly1403fs; shifts the reading frame from glycine 1403.
Molecular consequence: frameshift variant.
Genome position (GRCh38, 1-based): chrX:108,681,878, A duplicated; the last of 2 consecutive A bases (chrX:108,681,877-108,681,878); duplicating either gives the same sequence. VCF-style (leftmost placement, unchanged base first): chrX-108681876-C-CA. GRCh37 (hg19) VCF-style: chrX-107925106-C-CA.
Other names: c.4188dup, p.Gly1397fs (NM_000495.5); short protein forms G1397fs, G1403fs.
Identifiers: ClinVar variation 5013021 (VCV005013021.1).
Genomic context (GRCh38, chrX:108,681,876, plus strand): 5'-GGTCCTCCAGGAATCCCTGGCCAGCCTGGGCTAAAGGGTCTACCAGGACCCCAAGGACCT[C>CA]AAGGCTTACCAGGTACCAATGCAGATCATCTTTATTATCATTATTATACTTTTAATTTCT-3'